The following is an entry in ClinVar:

ClinVar aggregate classification (germline): Likely benign. Review status: criteria provided, single submitter (1 of 4 stars). 2 submissions from 2 submitters: Likely benign (1). 1 of the submissions does not count toward it. Last evaluated 2025-06-10.

Conditions:
LEMD2-related disorder. Also called: LEMD2-related condition.

Allele frequency attached by ClinVar (database versions not stated): 1000 Genomes Project 30x 0.00016; 1000 Genomes Project 0.00020; TOPMed 0.00026; gnomAD 0.00045; gnomAD exomes 0.00053; ExAC 0.00058; ESP Exome Variant Server 0.00062.
gnomAD v4.1: 837 of 1,612,982 alleles (0.052%); highest among the groups gnomAD compares: Middle Eastern, 0.15%; no homozygotes.

Submissions (2):

Labcorp Genetics (formerly Invitae), Labcorp
Classification: Likely benign. Last evaluated: 2025-06-10. Review status: criteria provided, single submitter. Criteria: Invitae Variant Classification Sherloc (09022015). Collection method: clinical testing. Allele origin: germline.

PreventionGenetics, part of Exact Sciences
Classification: Likely benign for LEMD2-related condition. Last evaluated: 2019-08-08. Review status: no assertion criteria provided. Collection method: clinical testing. Allele origin: germline. Not counted in ClinVar's aggregate classification.
Comment: This variant is classified as likely benign based on ACMG/AMP sequence variant interpretation guidelines (Richards et al. 2015 PMID: 25741868, with internal and published modifications).

NM_181336.4(LEMD2):c.1258+4C>T

Gene: LEMD2 (LEM domain nuclear envelope protein 2; minus strand). Cytogenetic location: 6p21.31.
Variant type: single nucleotide variant.
Coding change: c.1258+4C>T on transcript NM_181336.4 (MANE Select); 4 bases into the intron after coding-DNA position 1258, C replaced by T.
Molecular consequence: intron variant.
Genome position (GRCh38, 1-based): chr6:33,777,134, G>A on the plus strand (C>T on the coding strand, the complement: LEMD2 is on the minus strand). VCF-style: chr6-33777134-G-A. GRCh37 (hg19) VCF-style: chr6-33744911-G-A.
Other names: c.859+4C>T (NM_001348710.2); c.352+4C>T (NM_001348709.2, NM_001143944.1); c.1258+4C>T (NM_181336.3).
Identifiers: ClinVar variation 2069437 (VCV002069437.6), dbSNP rs199730949, ClinGen allele CA3763084.